The following is an entry in ClinVar:

NM_001365788.1(ACOT6):c.654T>C (p.His218=)

Genes: ACOT6 (acyl-CoA thioesterase 6; plus strand), HEATR4 (HEAT repeat containing 4; minus strand). Cytogenetic location: 14q24.3.
Variant type: single nucleotide variant.
Coding change: c.654T>C on transcript NM_001365788.1 (MANE Select); coding-DNA position 654, T replaced by C.
Protein change: p.His218=; no amino-acid change (histidine 218 retained).
Molecular consequence: synonymous variant.
Genome position (GRCh38, 1-based): chr14:73,617,186, T>C. VCF-style: chr14-73617186-T-C. GRCh37 (hg19) VCF-style: chr14-74083890-T-C.
Other names: c.12T>C, p.His4= (NM_001037162.1, NM_001365789.1).
Identifiers: ClinVar variation 3772493 (VCV003772493.13).

ClinVar aggregate classification (germline): Likely benign (1 of 4 stars; one submission).

Submission:

CeGaT Center for Human Genetics Tuebingen
Classification: Likely benign. Last evaluated: 2025-02-01. Review status: criteria provided, single submitter. Criteria: CeGaT Center For Human Genetics Tuebingen Variant Classification Criteria Version 2. Collection method: clinical testing. Allele origin: germline. Affected: yes. Observed: 1 variant allele.
Comment: ACOT6: PM2:Supporting, BP4, BP7